The following is an entry in ClinVar:

ClinVar aggregate classification (germline): Uncertain significance (1 of 4 stars; one submission).

Submission:

Labcorp Genetics (formerly Invitae), Labcorp
Classification: Uncertain significance. Last evaluated: 2025-04-27. Review status: criteria provided, single submitter. Criteria: Invitae Variant Classification Sherloc (09022015). Collection method: clinical testing. Allele origin: germline.
Comment: This sequence change replaces aspartic acid, which is acidic and polar, with asparagine, which is neutral and polar, at codon 95 of the ICOSLG protein (p.Asp95Asn). This variant is present in population databases (no rsID available, gnomAD 0.01%). This variant has not been reported in the literature in individuals affected with ICOSLG-related conditions. ClinVar contains an entry for this variant (Variation ID: 2991632). An algorithm developed to predict the effect of missense changes on protein structure and function outputs the following: PolyPhen-2: "Benign". The asparagine amino acid residue is found in multiple mammalian species, which suggests that this missense change does not adversely affect protein function. In summary, the available evidence is currently insufficient to determine the role of this variant in disease. Therefore, it has been classified as a Variant of Uncertain Significance.

NM_015259.6(ICOSLG):c.283G>A (p.Asp95Asn)

Gene: ICOSLG (inducible T cell costimulator ligand; minus strand). Cytogenetic location: 21q22.3.
Variant type: single nucleotide variant.
Coding change: c.283G>A on transcript NM_015259.6 (MANE Select); coding-DNA position 283, G replaced by A.
Protein change: p.Asp95Asn; replaces aspartic acid 95 with asparagine.
Molecular consequence: missense variant. On other transcripts: intron variant (1).
Genome position (GRCh38, 1-based): chr21:44,236,990, C>T on the plus strand (G>A on the coding strand, the complement: ICOSLG is on the minus strand). VCF-style: chr21-44236990-C-T. GRCh37 (hg19) VCF-style: chr21-45656873-C-T.
Other names: c.283G>A, p.Asp95Asn (NM_001283050.2, NM_001395918.1); c.28G>A, p.Asp10Asn (NM_001283052.2); c.202G>A, p.Asp68Asn (NM_001365759.2); c.56-1428G>A (NM_001283051.2); short protein forms D10N, D68N, D95N.
Identifiers: ClinVar variation 2991632 (VCV002991632.3), dbSNP rs865851162, ClinGen allele CA321498191.